The following is an entry in ClinVar:

NM_032119.4(ADGRV1):c.16532del (p.Lys5511fs)

Gene: ADGRV1 (adhesion G protein-coupled receptor V1; plus strand). Cytogenetic location: 5q14.3.
Variant type: Deletion.
Coding change: c.16532del on transcript NM_032119.4 (MANE Select); coding-DNA position 16532, one base deleted (A; older notation c.16532delA).
Protein change: p.Lys5511fs; shifts the reading frame from lysine 5511.
Molecular consequence: frameshift variant. On other transcripts: non-coding transcript variant (1).
Genome position (GRCh38, 1-based): chr5:90,829,107, A deleted; the last of 2 consecutive A bases (chr5:90,829,106-90,829,107); deleting either gives the same sequence. VCF-style (leftmost placement, unchanged base first): chr5-90829105-CA-C. GRCh37 (hg19) VCF-style: chr5-90124922-CA-C.
Other names: short protein forms K5511fs.
Identifiers: ClinVar variation 3776477 (VCV003776477.1).

ClinVar aggregate classification (germline): Likely pathogenic (1 of 4 stars; one submission).

Submission:

GeneDx
Classification: Likely pathogenic. Last evaluated: 2024-10-01. Review status: criteria provided, single submitter. Criteria: GeneDx Variant Classification Process June 2021. Collection method: clinical testing. Allele origin: germline. Affected: yes.
Comment: Frameshift variant predicted to result in protein truncation or nonsense mediated decay in a gene for which loss of function is a known mechanism of disease; Not observed at significant frequency in large population cohorts (gnomAD); Has not been previously published as pathogenic or benign to our knowledge